The following is an entry in ClinVar:

NM_032775.4(KLHL22):c.1668C>T (p.Arg556=)

Gene: KLHL22 (kelch like family member 22; minus strand). Cytogenetic location: 22q11.21.
Variant type: single nucleotide variant.
Coding change: c.1668C>T on transcript NM_032775.4 (MANE Select); coding-DNA position 1668, C replaced by T.
Protein change: p.Arg556=; no amino-acid change (arginine 556 retained).
Molecular consequence: synonymous variant. On other transcripts: non-coding transcript variant (1).
Genome position (GRCh38, 1-based): chr22:20,442,310, G>A on the plus strand (C>T on the coding strand, the complement: KLHL22 is on the minus strand). VCF-style: chr22-20442310-G-A. GRCh37 (hg19) VCF-style: chr22-20796597-G-A.
Identifiers: ClinVar variation 3388332 (VCV003388332.14).
Genomic context (GRCh38, chr22:20,442,310, plus strand): 5'-CCCTTCCTCCCAGCAGTCCTTCTCCACATCGTAAATGTGCACGTAGCCTGTGCGGCTGCC[G>A]CGGTTGTGTGAGCGGCCACCTAACACATAGATCCTGTTGTCCAGCACAGCAATGCCAGGC-3'
Protein context (NP_116164.2, residues 546-566): IYVLGGRSHN[Arg556=]GSRTGYVHIY

ClinVar aggregate classification (germline): Likely benign (1 of 4 stars; one submission).

gnomAD v4.1: 3,676 of 1,613,956 alleles (0.23%); highest among the groups gnomAD compares: Non-Finnish European, 0.28%; 9 homozygotes.

Submission:

CeGaT Center for Human Genetics Tuebingen
Classification: Likely benign. Last evaluated: 2024-11-01. Review status: criteria provided, single submitter. Criteria: CeGaT Center For Human Genetics Tuebingen Variant Classification Criteria Version 2. Collection method: clinical testing. Allele origin: germline. Affected: yes. Observed: 1 variant allele.
Comment: KLHL22: BP4, BP7